The following is an entry in ClinVar:

ClinVar aggregate classification (germline): Uncertain significance (1 of 4 stars; one submission).

Conditions:
Short stature-brachydactyly-obesity-global developmental delay syndrome. Also called: Short stature, brachydactyly, intellectual developmental disability, and seizures; SHORT STATURE, BRACHYDACTYLY, IMPAIRED INTELLECTUAL DEVELOPMENT, AND SEIZURES. Identifiers: Orphanet 464288, MedGen C4310689, MONDO:0014944, OMIM 617157.

Submission:

Department of Clinical Genetics, Aarhus University Hospital
Classification: Uncertain significance for Short stature-brachydactyly-obesity-global developmental delay syndrome. Review status: criteria provided, single submitter. Criteria: ACMG Guidelines, 2015. Collection method: clinical testing. Allele origin: germline. Affected: yes.
Comment: This variant was found in compound heterozygous state with PRMT7 c.1105C>T (p.(Gln369*)). To our knowledge the variant has not been reported in the literature in individuals affected with PRMT7-related conditions. The variant is not seen in the gnomAD 4.0 database. In silico prediction tools state that the variant is pathogenic (CADD, AlphaMissense) or of uncertain significance (REVEL). According to the ACMG guidelines, this variant is interpreted as uncertain significance (PM3, PM2_supporting).

NM_019023.5(PRMT7):c.130A>G (p.Arg44Gly)

Gene: PRMT7 (protein arginine methyltransferase 7; plus strand). Cytogenetic location: 16q22.1.
Variant type: single nucleotide variant.
Coding change: c.130A>G on transcript NM_019023.5 (MANE Select); coding-DNA position 130, A replaced by G.
Protein change: p.Arg44Gly; replaces arginine 44 with glycine.
Molecular consequence: missense variant. On other transcripts: non-coding transcript variant (8), intron variant (4).
Genome position (GRCh38, 1-based): chr16:68,321,460, A>G. VCF-style: chr16-68321460-A-G. GRCh37 (hg19) VCF-style: chr16-68355363-A-G.
Other names: c.130A>G, p.Arg44Gly (NM_001184824.4, NM_001290018.2, NM_001351143.3 and 2 more transcripts); c.-105-3223A>G (NM_001378022.1, NM_001378021.1, NM_001378023.1); c.35-3223A>G (NM_001378020.1); short protein forms R44G.
Identifiers: ClinVar variation 3893272 (VCV003893272.1).